The following is an entry in ClinVar:

NM_001009944.3(PKD1):c.11978C>A (p.Ser3993Ter)

Gene: PKD1 (polycystin 1, transient receptor potential channel interacting; minus strand). Cytogenetic location: 16p13.3.
Variant type: single nucleotide variant.
Coding change: c.11978C>A on transcript NM_001009944.3 (MANE Select); coding-DNA position 11978, C replaced by A.
Protein change: p.Ser3993Ter; replaces serine 3993 with a stop codon.
Molecular consequence: nonsense.
Genome position (GRCh38, 1-based): chr16:2,090,909, G>T on the plus strand (C>A on the coding strand, the complement: PKD1 is on the minus strand). VCF-style: chr16-2090909-G-T. GRCh37 (hg19) VCF-style: chr16-2140910-G-T.
Other names: c.11975C>A, p.Ser3992Ter (NM_000296.4); short protein forms S3992*, S3993*.
Identifiers: ClinVar variation 4277244 (VCV004277244.1).
Genomic context (GRCh38, chr16:2,090,909, plus strand): 5'-GCGCCCAGCCCCGCGCCCACCGGCCCAGCCCTCACCTTGACCAAAAGCAGGAAGAGCAGC[G>T]AGGCCGCCAGGCCACGGGCTGCGGAGCTCAGCTGCGCCACCTGGTCGAAGCTAGTGAAGC-3'

ClinVar aggregate classification (germline): Pathogenic (1 of 4 stars; one submission).

Conditions:
Polycystic kidney disease, adult type (PKD1). Also called: POLYCYSTIC KIDNEY DISEASE, ADULT, TYPE I; POLYCYSTIC KIDNEY DISEASE 1 WITH OR WITHOUT POLYCYSTIC LIVER DISEASE; Polycystic Kidney Disease 1, Autosomal Dominant; Polycystic kidney disease 1; Polycystic kidney disease 1, severe; Polycystic Kidney, Autosomal Dominant. Identifiers: MedGen C3149841, MONDO:0008263, OMIM 173900.

Submission:

MVZ Medizinische Genetik Mainz
Classification: Pathogenic for Polycystic kidney disease, adult type. Last evaluated: 2025-08-19. Review status: criteria provided, single submitter. Criteria: UK Practice Guidelines For Variant Classification V4 01 2020. Collection method: clinical testing. Allele origin: germline. Inheritance: Autosomal dominant inheritance. Affected: yes. Observed: 1 variant allele.
Comment: ACMG Criteria: PVS1,PM2_SUP,PP4